The following is an entry in ClinVar:

ClinVar aggregate classification (germline): Pathogenic (1 of 4 stars; one submission).

Conditions:
Familial hemiplegic migraine. Identifiers: MedGen C0338484, MONDO:0000700.

Submission:

Labcorp Genetics (formerly Invitae), Labcorp
Classification: Pathogenic for Familial hemiplegic migraine. Last evaluated: 2024-06-10. Review status: criteria provided, single submitter. Criteria: Invitae Variant Classification Sherloc (09022015). Collection method: clinical testing. Allele origin: germline.
Comment: This sequence change creates a premature translational stop signal (p.Gly194*) in the ATP1A2 gene. It is expected to result in an absent or disrupted protein product. Loss-of-function variants in ATP1A2 are known to be pathogenic (PMID: 30690204). This variant is not present in population databases (gnomAD no frequency). This variant has not been reported in the literature in individuals affected with ATP1A2-related conditions. For these reasons, this variant has been classified as Pathogenic.

Literature cited by the submitters: PubMed 30690204.

NM_000702.4(ATP1A2):c.580G>T (p.Gly194Ter)

Genes: ATP1A2 (ATPase Na+/K+ transporting subunit alpha 2; plus strand), LOC126805890 (CDK7 strongly-dependent group 2 enhancer GRCh37_chr1:160093987-160095186; plus strand). Cytogenetic location: 1q23.2.
Variant type: single nucleotide variant.
Coding change: c.580G>T on transcript NM_000702.4 (MANE Select); coding-DNA position 580, G replaced by T.
Protein change: p.Gly194Ter; replaces glycine 194 with a stop codon.
Molecular consequence: nonsense.
Genome position (GRCh38, 1-based): chr1:160,124,380, G>T. VCF-style: chr1-160124380-G-T. GRCh37 (hg19) VCF-style: chr1-160094170-G-T.
Other names: short protein forms G194*.
Identifiers: ClinVar variation 3656099 (VCV003656099.2).